The following is an entry in ClinVar:

ClinVar aggregate classification (germline): Likely benign. Review status: criteria provided, multiple submitters, no conflicts (2 of 4 stars). 3 submissions from 3 submitters: Likely benign (3). Last evaluated 2026-02-17.

Conditions:
LRP5-related disorder. Also called: LRP5-related condition.

Allele frequency attached by ClinVar (database versions not stated): TOPMed below 0.00001; gnomAD 0.00001 and 0.00003; gnomAD exomes 0.00002 and 0.00003; ExAC 0.00006.
gnomAD v4.1: 44 of 1,613,474 alleles (0.0027%); highest among the groups gnomAD compares: South Asian, 0.013%; no homozygotes.

Submissions (3):

PreventionGenetics, part of Exact Sciences
Classification: Likely benign for LRP5-related condition. Last evaluated: 2026-02-17. Review status: criteria provided, single submitter. Criteria: ACMG Guidelines, 2015. Collection method: clinical testing. Allele origin: germline.
Comment: This variant is classified as likely benign based on ACMG/AMP sequence variant interpretation guidelines (Richards et al. 2015 PMID: 25741868, with internal and published modifications).

Labcorp Genetics (formerly Invitae), Labcorp
Classification: Likely benign. Last evaluated: 2025-04-23. Review status: criteria provided, single submitter. Criteria: Invitae Variant Classification Sherloc (09022015). Collection method: clinical testing. Allele origin: germline.

Blueprint Genetics
Classification: Likely benign. Last evaluated: 2022-03-11. Review status: criteria provided, single submitter. Criteria: ACMG Guidelines, 2015. Collection method: clinical testing. Allele origin: germline.

NM_002335.4(LRP5):c.2103C>T (p.Arg701=)

Gene: LRP5 (LDL receptor related protein 5; plus strand). Cytogenetic location: 11q13.2.
Variant type: single nucleotide variant.
Coding change: c.2103C>T on transcript NM_002335.4 (MANE Select); coding-DNA position 2103, C replaced by T.
Protein change: p.Arg701=; no amino-acid change (arginine 701 retained).
Molecular consequence: synonymous variant.
Genome position (GRCh38, 1-based): chr11:68,409,925, C>T. VCF-style: chr11-68409925-C-T. GRCh37 (hg19) VCF-style: chr11-68177393-C-T.
Other names: c.2103C>T (NM_002335.3); c.360C>T, p.Arg120= (NM_001291902.2).
Identifiers: ClinVar variation 1661467 (VCV001661467.10), dbSNP rs761184187, ClinGen allele CA6149540.